The following is an entry in ClinVar:

ClinVar aggregate classification (germline): Uncertain significance (1 of 4 stars; one submission).

gnomAD v4.1: 8 of 1,200,461 alleles (0.00067%); highest among the groups gnomAD compares: Admixed American, 0.013%; no homozygotes.

Submission:

Labcorp Genetics (formerly Invitae), Labcorp
Classification: Uncertain significance. Last evaluated: 2025-10-10. Review status: criteria provided, single submitter. Criteria: Invitae Variant Classification Sherloc (09022015). Collection method: clinical testing. Allele origin: germline.
Comment: This sequence change replaces glutamine, which is neutral and polar, with glutamic acid, which is acidic and polar, at codon 88 of the MAGED2 protein (p.Gln88Glu). The frequency data for this variant in the population databases is considered unreliable, as metrics indicate poor data quality at this position in the gnomAD database. This variant has not been reported in the literature in individuals affected with MAGED2-related conditions. An algorithm developed to predict the effect of missense changes on protein structure and function (PolyPhen-2) suggests that this variant is likely to be tolerated. In summary, the available evidence is currently insufficient to determine the role of this variant in disease. Therefore, it has been classified as a Variant of Uncertain Significance.

NM_177433.3(MAGED2):c.262C>G (p.Gln88Glu)

Gene: MAGED2 (MAGE family member D2; plus strand). Cytogenetic location: Xp11.21.
Variant type: single nucleotide variant.
Coding change: c.262C>G on transcript NM_177433.3 (MANE Select); coding-DNA position 262, C replaced by G.
Protein change: p.Gln88Glu; replaces glutamine 88 with glutamic acid.
Molecular consequence: missense variant.
Genome position (GRCh38, 1-based): chrX:54,809,938, C>G. VCF-style: chrX-54809938-C-G. GRCh37 (hg19) VCF-style: chrX-54836371-C-G.
Other names: c.262C>G, p.Gln88Glu (NM_014599.6, NM_201222.3); short protein forms Q88E.
Identifiers: ClinVar variation 4772421 (VCV004772421.1).